The following is an entry in ClinVar:

NM_004260.4(RECQL4):c.707G>T (p.Gly236Val)

Gene: RECQL4 (RecQ like helicase 4; minus strand). Cytogenetic location: 8q24.3.
Variant type: single nucleotide variant.
Coding change: c.707G>T on transcript NM_004260.4 (MANE Select); coding-DNA position 707, G replaced by T.
Protein change: p.Gly236Val; replaces glycine 236 with valine.
Molecular consequence: missense variant.
Genome position (GRCh38, 1-based): chr8:144,516,412, C>A on the plus strand (G>T on the coding strand, the complement: RECQL4 is on the minus strand). VCF-style: chr8-144516412-C-A. GRCh37 (hg19) VCF-style: chr8-145741796-C-A.
Other names: short protein forms G236V.
Identifiers: ClinVar variation 1425351 (VCV001425351.6), dbSNP rs778457870, ClinGen allele CA372689579.
Genomic context (GRCh38, chr8:144,516,412, plus strand): 5'-CTGCTGGGCTGGGGGCTCCCCACACGGATGCTGACTTCTTGGAAGGCTGAAGCCTCTGGG[C>A]CCTGGGAGCCAGCACCAGGACCAAGGACAGCCGACTCACCAGGGATCAGAAGTTGTGATT-3'
Protein context (NP_004251.4, residues 226-246): AVLGPGAGSQ[Gly236Val]PEASAFQEVS

ClinVar aggregate classification (germline): Uncertain significance (1 of 4 stars; one submission).

Conditions:
Baller-Gerold syndrome (BGS). Also called: CRANIOSYNOSTOSIS WITH RADIAL DEFECTS. Identifiers: Orphanet 1225, MedGen C0265308, MONDO:0009039, OMIM 218600.

Submission:

Labcorp Genetics (formerly Invitae), Labcorp
Classification: Uncertain significance for Baller-Gerold syndrome. Last evaluated: 2021-12-09. Review status: criteria provided, single submitter. Criteria: Invitae Variant Classification Sherloc (09022015). Collection method: clinical testing. Allele origin: germline.
Comment: In summary, the available evidence is currently insufficient to determine the role of this variant in disease. Therefore, it has been classified as a Variant of Uncertain Significance. Experimental studies and prediction algorithms are not available or were not evaluated, and the functional significance of this variant is currently unknown. This variant has not been reported in the literature in individuals affected with RECQL4-related conditions. This variant is not present in population databases (gnomAD no frequency). This sequence change replaces glycine, which is neutral and non-polar, with valine, which is neutral and non-polar, at codon 236 of the RECQL4 protein (p.Gly236Val).